The following is an entry in ClinVar:

NM_001197293.3(DPYSL2):c.1558G>A (p.Asp520Asn)

Gene: DPYSL2 (dihydropyrimidinase like 2; plus strand). Cytogenetic location: 8p21.2.
Variant type: single nucleotide variant.
Coding change: c.1558G>A on transcript NM_001197293.3 (MANE Select); coding-DNA position 1558, G replaced by A.
Protein change: p.Asp520Asn; replaces aspartic acid 520 with asparagine.
Molecular consequence: missense variant.
Genome position (GRCh38, 1-based): chr8:26,647,762, G>A. VCF-style: chr8-26647762-G-A. GRCh37 (hg19) VCF-style: chr8-26505278-G-A.
Other names: c.1135G>A, p.Asp379Asn (NM_001244604.2); c.1243G>A, p.Asp415Asn (NM_001386.6); short protein forms D379N, D415N, D520N.
Identifiers: ClinVar variation 2634050 (VCV002634050.2), dbSNP rs915186717, ClinGen allele CA174163471.
Genomic context (GRCh38, chr8:26,647,762, plus strand): 5'-TACCCCCGGAAAGGCCGCATTGCTGTGGGATCCGATGCCGACCTGGTCATCTGGGACCCC[G>A]ACAGCGTTAAAACCATCTCTGCCAAGACACACAACAGCGTAAGACCTGTTAACTGTGCAG-3'
Protein context (NP_001184222.1, residues 510-530): SDADLVIWDP[Asp520Asn]SVKTISAKTH

ClinVar aggregate classification (germline): Uncertain significance. Review status: criteria provided, multiple submitters, no conflicts (2 of 4 stars). 2 submissions from 2 submitters: Uncertain significance (2). Last evaluated 2025-03-26.

Conditions:
DPYSL2-related disorder. Also called: DPYSL2-related condition.

Allele frequency attached by ClinVar (database versions not stated): gnomAD exomes 0.00001; gnomAD 0.00009; TOPMed 0.00017.
gnomAD v4.1: 36 of 1,613,870 alleles (0.0022%); highest among the groups gnomAD compares: Admixed American, 0.03%; 1 homozygote.

Submissions (2):

Ambry Genetics
Classification: Uncertain significance. Last evaluated: 2025-03-26. Review status: criteria provided, single submitter. Criteria: Ambry Variant Classification Scheme 2023. Collection method: clinical testing. Allele origin: germline.

PreventionGenetics, part of Exact Sciences
Classification: Uncertain significance for DPYSL2-related condition. Last evaluated: 2023-04-06. Review status: criteria provided, single submitter. Criteria: ACMG Guidelines, 2015. Collection method: clinical testing. Allele origin: germline.
Comment: The DPYSL2 c.1558G>A variant is predicted to result in the amino acid substitution p.Asp520Asn. To our knowledge, this variant has not been reported in the literature or in a large population database, indicating this variant is rare. At this time, the clinical significance of this variant is uncertain due to the absence of conclusive functional and genetic evidence.